The following is an entry in ClinVar:

NM_002834.5(PTPN11):c.248A>C (p.Glu83Ala)

Gene: PTPN11 (protein tyrosine phosphatase non-receptor type 11; plus strand). Cytogenetic location: 12q24.13.
Variant type: single nucleotide variant.
Coding change: c.248A>C on transcript NM_002834.5 (MANE Select); coding-DNA position 248, A replaced by C.
Protein change: p.Glu83Ala; replaces glutamic acid 83 with alanine.
Molecular consequence: missense variant.
Genome position (GRCh38, 1-based): chr12:112,450,428, A>C. VCF-style: chr12-112450428-A-C. GRCh37 (hg19) VCF-style: chr12-112888232-A-C.
Other names: c.248A>C, p.Glu83Ala (NM_001330437.2, NM_080601.3); c.245A>C, p.Glu82Ala (NM_001374625.1); short protein forms E82A, E83A.
Identifiers: ClinVar variation 4147349 (VCV004147349.1).

ClinVar aggregate classification (germline): Uncertain significance (1 of 4 stars; one submission).

Conditions:
Cardiovascular phenotype. Identifiers: MedGen CN230736.

Submission:

Ambry Genetics
Classification: Uncertain significance for Cardiovascular phenotype. Last evaluated: 2025-06-22. Review status: criteria provided, single submitter. Criteria: Ambry Variant Classification Scheme 2023. Collection method: clinical testing. Allele origin: germline.
Comment: The p.E83A variant (also known as c.248A>C), located in coding exon 3 of the PTPN11 gene, results from an A to C substitution at nucleotide position 248. The glutamic acid at codon 83 is replaced by alanine, an amino acid with dissimilar properties. This amino acid position is conserved. In addition, this alteration is predicted to be deleterious by in silico analysis. Based on the available evidence, the clinical significance of this variant remains unclear.